The following is an entry in ClinVar:

NM_001122769.3(LCA5):c.71T>C (p.Leu24Ser)

Gene: LCA5 (lebercilin LCA5; minus strand). Cytogenetic location: 6q14.1.
Variant type: single nucleotide variant.
Coding change: c.71T>C on transcript NM_001122769.3 (MANE Select); coding-DNA position 71, T replaced by C.
Protein change: p.Leu24Ser; replaces leucine 24 with serine.
Molecular consequence: missense variant.
Genome position (GRCh38, 1-based): chr6:79,518,824, A>G on the plus strand (T>C on the coding strand, the complement: LCA5 is on the minus strand). VCF-style: chr6-79518824-A-G. GRCh37 (hg19) VCF-style: chr6-80228541-A-G.
Other names: c.71T>C, p.Leu24Ser (NM_181714.4); short protein forms L24S.
Identifiers: ClinVar variation 167258 (VCV000167258.37), dbSNP rs2655655, ClinGen allele CA180173.

ClinVar aggregate classification (germline): Benign. Review status: criteria provided, multiple submitters, no conflicts (2 of 4 stars). 10 submissions from 10 submitters: Benign (7). 3 of the submissions do not count toward it. Last evaluated 2026-02-04.

Conditions:
Leber congenital amaurosis 1 (LCA1). Also called: AMAUROSIS CONGENITA OF LEBER I; Congenital absence of the rods and cones; Leber's congenital tapetoretinal degeneration; Leber's congenital tapetoretinal dysplasia; RETINAL BLINDNESS, CONGENITAL. Identifiers: Orphanet 65, MedGen C2931258, MONDO:0008764, OMIM 204000.
Leber congenital amaurosis 5 (LCA5). Also called: Amaurosis congenita of Leber, type 5. Identifiers: Orphanet 65, MedGen C1858301, MONDO:0011473, OMIM 604537.

Allele frequency attached by ClinVar (database versions not stated): ESP Exome Variant Server 0.83700; gnomAD exomes 0.83576 and 0.80165; TOPMed 0.85769; 1000 Genomes Project 0.89058; ExAC 0.83459; gnomAD 0.84544 and 0.84618; 1000 Genomes Project 30x 0.88944.
gnomAD v4.1: 1,301,007 of 1,613,654 alleles (81%); highest among the groups gnomAD compares: East Asian, 99%; 526,825 homozygotes.

Submissions (10):

Labcorp Genetics (formerly Invitae), Labcorp
Classification: Benign. Last evaluated: 2026-02-04. Review status: criteria provided, single submitter. Criteria: Invitae Variant Classification Sherloc (09022015). Collection method: clinical testing. Allele origin: germline.

Blueprint Genetics
Classification: Benign. Last evaluated: 2024-11-27. Review status: criteria provided, single submitter. Criteria: ACMG Guidelines, 2015. Collection method: clinical testing. Allele origin: germline.

Genome-Nilou Lab
Classification: Benign for Leber congenital amaurosis 5. Last evaluated: 2021-07-10. Review status: criteria provided, single submitter. Criteria: ACMG Guidelines, 2015. Collection method: clinical testing. Allele origin: germline. Affected: no.

Mendelics
Classification: Benign for Leber congenital amaurosis 1. Last evaluated: 2019-05-28. Review status: criteria provided, single submitter. Criteria: Mendelics Assertion Criteria 2017. Collection method: clinical testing. Allele origin: unknown.

GeneDx
Classification: Benign. Last evaluated: 2019-03-29. Review status: criteria provided, single submitter. Criteria: GeneDx Variant Classification Process June 2021. Collection method: clinical testing. Allele origin: germline. Affected: yes.

Illumina Laboratory Services, Illumina
Classification: Benign for Leber congenital amaurosis 5. Last evaluated: 2018-01-13. Review status: criteria provided, single submitter. Criteria: ICSL Variant Classification Criteria 13 December 2019. Collection method: clinical testing. Allele origin: germline.
Comment: This variant was observed in the ICSL laboratory as part of a predisposition screen in an ostensibly healthy population. It had not been previously curated by ICSL or reported in the Human Gene Mutation Database (HGMD: prior to June 1st, 2018), and was therefore a candidate for classification through an automated scoring system. Utilizing variant allele frequency, disease prevalence and penetrance estimates, and inheritance mode, an automated score was calculated to assess if this variant is too frequent to cause the disease. Based on the score and internal cut-off values, a variant classified as benign is not then subjected to further curation. The score for this variant resulted in a classification of benign for this disease.

Eurofins Ntd Llc (ga)
Classification: Benign. Last evaluated: 2014-02-05. Review status: criteria provided, single submitter. Criteria: EGL Classification Definitions 2015. Collection method: clinical testing. Allele origin: germline. Observed: 4 variant alleles, 4 homozygotes.

Natera, Inc.
Classification: Benign for Leber congenital amaurosis type 5. Last evaluated: 2019-11-18. Review status: no assertion criteria provided. Collection method: clinical testing. Allele origin: germline. Not counted in ClinVar's aggregate classification.

Diagnostic Laboratory, Department of Genetics, University Medical Center Groningen
Classification: Benign. Review status: no assertion criteria provided. Collection method: clinical testing. Allele origin: germline. Affected: yes. Study: VKGL Data-share Consensus. Not counted in ClinVar's aggregate classification.

Joint Genome Diagnostic Labs from Nijmegen and Maastricht, Radboudumc and MUMC+
Classification: Benign. Review status: no assertion criteria provided. Collection method: clinical testing. Allele origin: germline. Affected: yes. Study: VKGL Data-share Consensus. Not counted in ClinVar's aggregate classification.